The following is an entry in ClinVar:

ClinVar aggregate classification (germline): Uncertain significance (1 of 4 stars; one submission).

Conditions:
Severe combined immunodeficiency due to DNA-PKcs deficiency. Also called: IMMUNODEFICIENCY 26 WITH NEUROLOGIC ABNORMALITIES; Immunodeficiency 26 with or without neurologic abnormalities. Identifiers: Orphanet 317425, MedGen C4014833, MONDO:0014423, OMIM 615966.

Allele frequency attached by ClinVar (database versions not stated): TOPMed 0.00001; gnomAD exomes below 0.00001; gnomAD 0.00001.
gnomAD v4.1: 3 of 1,612,808 alleles (0.00019%); highest among the groups gnomAD compares: Admixed American, 0.0017%; no homozygotes.

Submission:

Labcorp Genetics (formerly Invitae), Labcorp
Classification: Uncertain significance for Severe combined immunodeficiency due to DNA-PKcs deficiency. Last evaluated: 2025-03-31. Review status: criteria provided, single submitter. Criteria: Invitae Variant Classification Sherloc (09022015). Collection method: clinical testing. Allele origin: germline.
Comment: This sequence change replaces glutamine, which is neutral and polar, with proline, which is neutral and non-polar, at codon 2621 of the PRKDC protein (p.Gln2621Pro). This variant is not present in population databases (gnomAD no frequency). This variant has not been reported in the literature in individuals affected with PRKDC-related conditions. ClinVar contains an entry for this variant (Variation ID: 2764781). An algorithm developed to predict the effect of missense changes on protein structure and function outputs the following: PolyPhen-2: "Not Available". The proline amino acid residue is found in multiple mammalian species, which suggests that this missense change does not adversely affect protein function. In summary, the available evidence is currently insufficient to determine the role of this variant in disease. Therefore, it has been classified as a Variant of Uncertain Significance.

NM_006904.7(PRKDC):c.7862A>C (p.Gln2621Pro)

Gene: PRKDC (protein kinase, DNA-activated, catalytic subunit; minus strand). Cytogenetic location: 8q11.21.
Variant type: single nucleotide variant.
Coding change: c.7862A>C on transcript NM_006904.7 (MANE Select); coding-DNA position 7862, A replaced by C.
Protein change: p.Gln2621Pro; replaces glutamine 2621 with proline.
Molecular consequence: missense variant.
Genome position (GRCh38, 1-based): chr8:47,836,427, T>G on the plus strand (A>C on the coding strand, the complement: PRKDC is on the minus strand). VCF-style: chr8-47836427-T-G. GRCh37 (hg19) VCF-style: chr8-48748988-T-G.
Other names: c.7862A>C, p.Gln2621Pro (NM_001081640.2); short protein forms Q2621P.
Identifiers: ClinVar variation 2764781 (VCV002764781.3), dbSNP rs2088024821, ClinGen allele CA371150815.